The following is an entry in ClinVar:

ClinVar aggregate classification (germline): Uncertain significance (1 of 4 stars; one submission).

Conditions:
Inborn genetic diseases. Identifiers: MedGen C0950123, MeSH D030342.

Allele frequency attached by ClinVar (database versions not stated): gnomAD exomes below 0.00001.
gnomAD v4.1: 1 of 1,613,912 alleles (0.000062%); highest among the groups gnomAD compares: African/African-American, 0.0013%; no homozygotes.

Submission:

Ambry Genetics
Classification: Uncertain significance for Inborn genetic diseases. Last evaluated: 2024-01-27. Review status: criteria provided, single submitter. Criteria: Ambry Variant Classification Scheme 2023. Collection method: clinical testing. Allele origin: germline.
Comment: The p.K189Q variant (also known as c.565A>C), located in coding exon 5 of the AKT1 gene, results from an A to C substitution at nucleotide position 565. The lysine at codon 189 is replaced by glutamine, an amino acid with similar properties. This amino acid position is conserved. In addition, the in silico prediction for this alteration is inconclusive. Based on the available evidence, the clinical significance of this alteration remains unclear.

NM_001382430.1(AKT1):c.565A>C (p.Lys189Gln)

Gene: AKT1 (AKT serine/threonine kinase 1; minus strand). Cytogenetic location: 14q32.33.
Variant type: single nucleotide variant.
Coding change: c.565A>C on transcript NM_001382430.1 (MANE Select); coding-DNA position 565, A replaced by C.
Protein change: p.Lys189Gln; replaces lysine 189 with glutamine.
Molecular consequence: missense variant.
Genome position (GRCh38, 1-based): chr14:104,775,078, T>G on the plus strand (A>C on the coding strand, the complement: AKT1 is on the minus strand). VCF-style: chr14-104775078-T-G. GRCh37 (hg19) VCF-style: chr14-105241415-T-G.
Other names: c.565A>C, p.Lys189Gln (NM_001014431.2, NM_001014432.2, NM_001382431.1 and 3 more transcripts); short protein forms K189Q.
Identifiers: ClinVar variation 3224630 (VCV003224630.1), dbSNP rs2542143313, ClinGen allele CA391219310.